The following is an entry in ClinVar:

ClinVar aggregate classification (germline): Uncertain significance (1 of 4 stars; one submission).

Conditions:
Peroxisome biogenesis disorder 7A (Zellweger). Also called: Peroxisome biogenesis disorder 7A. Identifiers: Orphanet 912, MedGen C3888385, MONDO:0013938, OMIM 614872.
Peroxisome biogenesis disorder 7B (PBD7B). Identifiers: Orphanet 44, MedGen C3553951, MONDO:0013939, OMIM 614873.

Submission:

Labcorp Genetics (formerly Invitae), Labcorp
Classification: Uncertain significance for Peroxisome biogenesis disorder 7A (Zellweger); Peroxisome biogenesis disorder 7B. Last evaluated: 2022-08-19. Review status: criteria provided, single submitter. Criteria: Invitae Variant Classification Sherloc (09022015). Collection method: clinical testing. Allele origin: germline.
Comment: In summary, the available evidence is currently insufficient to determine the role of this variant in disease. Therefore, it has been classified as a Variant of Uncertain Significance. Algorithms developed to predict the effect of missense changes on protein structure and function are either unavailable or do not agree on the potential impact of this missense change (SIFT: "Tolerated"; PolyPhen-2: "Possibly Damaging"; Align-GVGD: "Class C0"). This variant has not been reported in the literature in individuals affected with PEX26-related conditions. This variant is not present in population databases (gnomAD no frequency). This sequence change replaces leucine, which is neutral and non-polar, with methionine, which is neutral and non-polar, at codon 193 of the PEX26 protein (p.Leu193Met).

NM_001127649.3(PEX26):c.577C>A (p.Leu193Met)

Gene: PEX26 (peroxisomal biogenesis factor 26; plus strand). Cytogenetic location: 22q11.21.
Variant type: single nucleotide variant.
Coding change: c.577C>A on transcript NM_001127649.3 (MANE Select); coding-DNA position 577, C replaced by A.
Protein change: p.Leu193Met; replaces leucine 193 with methionine.
Molecular consequence: missense variant.
Genome position (GRCh38, 1-based): chr22:18,083,642, C>A. VCF-style: chr22-18083642-C-A. GRCh37 (hg19) VCF-style: chr22-18566408-C-A.
Other names: c.577C>A, p.Leu193Met (NM_001199319.2, NM_017929.6); short protein forms L193M.
Identifiers: ClinVar variation 1976234 (VCV001976234.3), dbSNP rs2517671218, ClinGen allele CA410267947.